The following is an entry in ClinVar:

ClinVar aggregate classification (germline): Uncertain significance (1 of 4 stars; one submission).

Conditions:
EGFR-related lung cancer (EGFR). Identifiers: MedGen CN130014.

Submission:

Labcorp Genetics (formerly Invitae), Labcorp
Classification: Uncertain significance for EGFR-related lung cancer. Last evaluated: 2021-10-14. Review status: criteria provided, single submitter. Criteria: Invitae Variant Classification Sherloc (09022015). Collection method: clinical testing. Allele origin: germline.
Comment: Algorithms developed to predict the effect of missense changes on protein structure and function are either unavailable or do not agree on the potential impact of this missense change (SIFT: "Deleterious"; PolyPhen-2: "Probably Damaging"; Align-GVGD: "Class C0"). In summary, the available evidence is currently insufficient to determine the role of this variant in disease. Therefore, it has been classified as a Variant of Uncertain Significance. This variant has not been reported in the literature in individuals affected with EGFR-related conditions. This sequence change replaces tyrosine with histidine at codon 978 of the EGFR protein (p.Tyr978His). The tyrosine residue is highly conserved and there is a moderate physicochemical difference between tyrosine and histidine. This variant is not present in population databases (ExAC no frequency).

NM_005228.5(EGFR):c.2932T>C (p.Tyr978His)

Gene: EGFR (epidermal growth factor receptor; plus strand). Cytogenetic location: 7p11.2.
Variant type: single nucleotide variant.
Coding change: c.2932T>C on transcript NM_005228.5 (MANE Select); coding-DNA position 2932, T replaced by C.
Protein change: p.Tyr978His; replaces tyrosine 978 with histidine.
Molecular consequence: missense variant.
Genome position (GRCh38, 1-based): chr7:55,200,399, T>C. VCF-style: chr7-55200399-T-C. GRCh37 (hg19) VCF-style: chr7-55268092-T-C.
Other names: c.2797T>C, p.Tyr933His (NM_001346897.2, NM_001346899.2); c.2932T>C, p.Tyr978His (NM_001346898.2); c.2773T>C, p.Tyr925His (NM_001346900.2); c.2131T>C, p.Tyr711His (NM_001346941.2); short protein forms Y925H, Y933H, Y711H, Y978H.
Identifiers: ClinVar variation 1386901 (VCV001386901.6), dbSNP rs2128969978, ClinGen allele CA367582027.
Genomic context (GRCh38, chr7:55,200,399, plus strand): 5'-CGCCCAAAGTTCCGTGAGTTGATCATCGAATTCTCCAAAATGGCCCGAGACCCCCAGCGC[T>C]ACCTTGTCATTCAGGTACAAATTGCAGTCTGTGCTTCCATTGGGAAGAGTCCCTCTAATG-3'
Protein context (NP_005219.2, residues 968-988): FSKMARDPQR[Tyr978His]LVIQGDERMH